The following is an entry in ClinVar:

NM_018150.4(RNF220):c.1473G>A (p.Thr491=)

Gene: RNF220 (ring finger protein 220; plus strand). Cytogenetic location: 1p34.1.
Variant type: single nucleotide variant.
Coding change: c.1473G>A on transcript NM_018150.4 (MANE Select); coding-DNA position 1473, G replaced by A.
Protein change: p.Thr491=; no amino-acid change (threonine 491 retained).
Molecular consequence: synonymous variant.
Genome position (GRCh38, 1-based): chr1:44,649,688, G>A. VCF-style: chr1-44649688-G-A. GRCh37 (hg19) VCF-style: chr1-45115360-G-A.
Other names: c.1473G>A, p.Thr491= (NM_001319956.1, NM_001376488.1); c.834G>A, p.Thr278= (NM_001319957.2); c.1551G>A, p.Thr517= (NM_001376486.1, NM_001376487.1); c.699G>A, p.Thr233= (NM_001376489.1).
Identifiers: ClinVar variation 2638774 (VCV002638774.25), dbSNP rs112706024, ClinGen allele CA819783.

ClinVar aggregate classification (germline): Likely benign. Review status: criteria provided, multiple submitters, no conflicts (2 of 4 stars). 2 submissions from 2 submitters: Likely benign (2). Last evaluated 2026-08-01.

Allele frequency attached by ClinVar (database versions not stated): 1000 Genomes Project 0.00160; 1000 Genomes Project 30x 0.00187; ExAC 0.00234; gnomAD 0.00270; TOPMed 0.00298; ESP Exome Variant Server 0.00346.
gnomAD v4.1: 6,832 of 1,614,010 alleles (0.42%); highest among the groups gnomAD compares: Non-Finnish European, 0.54%; 23 homozygotes.

Submissions (2):

CeGaT Center for Human Genetics Tuebingen
Classification: Likely benign. Last evaluated: 2026-08-01. Review status: criteria provided, single submitter. Criteria: CeGaT Center For Human Genetics Tuebingen Variant Classification Criteria Version 2. Collection method: clinical testing. Allele origin: germline. Affected: yes. Observed: 4 variant alleles.
Comment: RNF220: BP4, BP7, BS2

Blueprint Genetics
Classification: Likely benign. Last evaluated: 2024-11-21. Review status: criteria provided, single submitter. Criteria: ACMG Guidelines, 2015. Collection method: clinical testing. Allele origin: germline.